The following is an entry in ClinVar:

ClinVar aggregate classification (germline): Uncertain significance (1 of 4 stars; one submission).

gnomAD v4.1: 1 of 1,614,246 alleles (0.000062%); highest among the groups gnomAD compares: Non-Finnish European, 0.000085%; no homozygotes.

Submission:

Ambry Genetics
Classification: Uncertain significance. Last evaluated: 2025-07-24. Review status: criteria provided, single submitter. Criteria: Ambry Variant Classification Scheme 2023. Collection method: clinical testing. Allele origin: germline.
Comment: The p.Q1168R variant (also known as c.3503A>G), located in coding exon 13 of the CDK12 gene, results from an A to G substitution at nucleotide position 3503. The glutamine at codon 1168 is replaced by arginine, an amino acid with highly similar properties. This amino acid position is conserved. In addition, this alteration is predicted to be tolerated by in silico analysis. Based on the available evidence, the clinical significance of this variant remains unclear.

NM_016507.4(CDK12):c.3503A>G (p.Gln1168Arg)

Gene: CDK12 (cyclin dependent kinase 12; plus strand). Cytogenetic location: 17q12.
Variant type: single nucleotide variant.
Coding change: c.3503A>G on transcript NM_016507.4 (MANE Select); coding-DNA position 3503, A replaced by G.
Protein change: p.Gln1168Arg; replaces glutamine 1168 with arginine.
Molecular consequence: missense variant.
Genome position (GRCh38, 1-based): chr17:39,526,059, A>G. VCF-style: chr17-39526059-A-G. GRCh37 (hg19) VCF-style: chr17-37682312-A-G.
Other names: c.3503A>G, p.Gln1168Arg (NM_015083.4); short protein forms Q1168R.
Identifiers: ClinVar variation 4224306 (VCV004224306.1).